The following is an entry in ClinVar:

NM_015058.2(VWA8):c.5415G>A (p.Thr1805=)

Gene: VWA8 (von Willebrand factor A domain containing 8; minus strand). Cytogenetic location: 13q14.11.
Variant type: single nucleotide variant.
Coding change: c.5415G>A on transcript NM_015058.2 (MANE Select); coding-DNA position 5415, G replaced by A.
Protein change: p.Thr1805=; no amino-acid change (threonine 1805 retained).
Molecular consequence: synonymous variant.
Genome position (GRCh38, 1-based): chr13:41,570,662, C>T on the plus strand (G>A on the coding strand, the complement: VWA8 is on the minus strand). VCF-style: chr13-41570662-C-T. GRCh37 (hg19) VCF-style: chr13-42144798-C-T.
Identifiers: ClinVar variation 4873690 (VCV004873690.2).

ClinVar aggregate classification (germline): Likely benign (1 of 4 stars; one submission).

gnomAD v4.1: 62 of 1,614,114 alleles (0.0038%); highest among the groups gnomAD compares: East Asian, 0.12%; no homozygotes.

Submission:

CeGaT Center for Human Genetics Tuebingen
Classification: Likely benign. Last evaluated: 2026-05-01. Review status: criteria provided, single submitter. Criteria: CeGaT Center For Human Genetics Tuebingen Variant Classification Criteria Version 2. Collection method: clinical testing. Allele origin: germline. Affected: yes. Observed: 1 variant allele.
Comment: VWA8: BP4, BP7